The following is an entry in ClinVar:

NM_001013736.3(FAM47C):c.1905C>T (p.Pro635=)

Gene: FAM47C (family with sequence similarity 47 member C; plus strand). Cytogenetic location: Xp21.1.
Variant type: single nucleotide variant.
Coding change: c.1905C>T on transcript NM_001013736.3 (MANE Select); coding-DNA position 1905, C replaced by T.
Protein change: p.Pro635=; no amino-acid change (proline 635 retained).
Molecular consequence: synonymous variant.
Genome position (GRCh38, 1-based): chrX:37,010,315, C>T. VCF-style: chrX-37010315-C-T. GRCh37 (hg19) VCF-style: chrX-37028388-C-T.
Identifiers: ClinVar variation 5040984 (VCV005040984.1).

ClinVar aggregate classification (germline): Likely benign (1 of 4 stars; one submission).

Submission:

CeGaT Center for Human Genetics Tuebingen
Classification: Likely benign. Last evaluated: 2026-09-01. Review status: criteria provided, single submitter. Criteria: CeGaT Center For Human Genetics Tuebingen Variant Classification Criteria Version 2. Collection method: clinical testing. Allele origin: germline. Affected: yes. Observed: 1 variant allele.
Comment: FAM47C: BP4, BP7